The following is an entry in ClinVar:

ClinVar aggregate classification (germline): Uncertain significance (1 of 4 stars; one submission).

Conditions:
Perlman syndrome (PRLMNS). Identifiers: Orphanet 2849, MedGen C0796113, MONDO:0009965, OMIM 267000.

Submission:

Labcorp Genetics (formerly Invitae), Labcorp
Classification: Uncertain significance for Perlman syndrome. Last evaluated: 2025-01-11. Review status: criteria provided, single submitter. Criteria: Invitae Variant Classification Sherloc (09022015). Collection method: clinical testing. Allele origin: germline.
Comment: This variant, c.2588_2596del, results in the deletion of 3 amino acid(s) of the DIS3L2 protein (p.Gln863_His865del), but otherwise preserves the integrity of the reading frame. This variant is not present in population databases (gnomAD no frequency). This variant has not been reported in the literature in individuals affected with DIS3L2-related conditions. ClinVar contains an entry for this variant (Variation ID: 2045273). Experimental studies and prediction algorithms are not available or were not evaluated, and the functional significance of this variant is currently unknown. In summary, the available evidence is currently insufficient to determine the role of this variant in disease. Therefore, it has been classified as a Variant of Uncertain Significance.

NM_152383.5(DIS3L2):c.2588_2596del (p.Gln863_His865del)

Gene: DIS3L2 (DIS3 like 3'-5' exoribonuclease 2; plus strand). Cytogenetic location: 2q37.1.
Variant type: Deletion.
Coding change: c.2588_2596del on transcript NM_152383.5 (MANE Select); coding-DNA positions 2588 to 2596, 9 bases deleted (AGGGCCACC; older notation c.2588_2596delAGGGCCACC).
Protein change: p.Gln863_His865del.
Molecular consequence: inframe deletion. On other transcripts: non-coding transcript variant (2), intron variant (1).
Genome position (GRCh38, 1-based): chr2:232,336,560-232,336,568, AGGGCCACC deleted; deleting any 9 consecutive bases within chr2:232,336,558-232,336,568 gives the same sequence; the c. name uses the placement nearest the transcript's 3' end. VCF-style (leftmost placement, unchanged base first): chr2-232336557-CCCAGGGCCA-C. GRCh37 (hg19) VCF-style: chr2-233201267-CCCAGGGCCA-C.
Other names: c.1582-6785_1582-6777del (NM_001257281.2).
Identifiers: ClinVar variation 2045273 (VCV002045273.4), dbSNP rs2469455632, ClinGen allele CA2580066036.